The following is an entry in ClinVar:

ClinVar aggregate classification (germline): Uncertain significance (0 of 4 stars; one submission).

Conditions:
Relapsing remitting multiple sclerosis. Identifiers: MedGen C0751967, MONDO:0005314.

Allele frequency attached by ClinVar (database versions not stated): gnomAD 0.00001.

Submission:

Demyelinating Disease Laboratories, VA Medical Center and University of Tennessee
Classification: Uncertain significance. Review status: no assertion criteria provided. Collection method: not provided. Allele origin: somatic.
ClinVar note: Converted during submission from unknown to Uncertain significance.

NM_031157.4(HNRNPA1):c.911G>A (p.Ser304Asn)

Gene: HNRNPA1 (heterogeneous nuclear ribonucleoprotein A1; plus strand). Cytogenetic location: 12q13.13.
Variant type: single nucleotide variant.
Coding change: c.911G>A on transcript NM_031157.4 (MANE Select); coding-DNA position 911, G replaced by A.
Protein change: p.Ser304Asn; replaces serine 304 with asparagine.
Molecular consequence: missense variant. On other transcripts: non-coding transcript variant (1).
Genome position (GRCh38, 1-based): chr12:54,283,815, G>A. VCF-style: chr12-54283815-G-A. GRCh37 (hg19) VCF-style: chr12-54677599-G-A.
Other names: c.755G>A, p.Ser252Asn (NM_002136.4); short protein forms S304N, S252N.
Identifiers: ClinVar variation 135590 (VCV000135590.2), dbSNP rs483353020, ClinGen allele CA163029.